The following is an entry in ClinVar:

NM_004606.5(TAF1):c.721C>T (p.Arg241Cys)

Gene: TAF1 (TATA-box binding protein associated factor 1; plus strand). Cytogenetic location: Xq13.1.
Variant type: single nucleotide variant.
Coding change: c.721C>T on transcript NM_004606.5 (MANE Select); coding-DNA position 721, C replaced by T.
Protein change: p.Arg241Cys; replaces arginine 241 with cysteine.
Molecular consequence: missense variant. On other transcripts: non-coding transcript variant (9).
Genome position (GRCh38, 1-based): chrX:71,377,609, C>T. VCF-style: chrX-71377609-C-T. GRCh37 (hg19) VCF-style: chrX-70597459-C-T.
Other names: c.721C>T, p.Arg241Cys (NM_001286074.2); c.658C>T, p.Arg220Cys (NM_138923.4); short protein forms R220C, R241C.
Identifiers: ClinVar variation 3906704 (VCV003906704.1).
Genomic context (GRCh38, chrX:71,377,609, plus strand): 5'-TGTTTTCCCATCTGACTTTGAGTCTGTGTCATAGTAATGTATTCTGTGTTCTAGGTGTTA[C>T]GTTTTCTACGTCTTTTTGGACCAGGGAAGAATGTCCCATCTGTTTGGCGGAGTGCTCGGA-3'
Protein context (NP_004597.3, residues 231-251): FPEFRPGKVL[Arg241Cys]FLRLFGPGKN

ClinVar aggregate classification (germline): Uncertain significance (1 of 4 stars; one submission).

Submission:

GeneDx
Classification: Uncertain significance. Last evaluated: 2024-12-18. Review status: criteria provided, single submitter. Criteria: GeneDx Variant Classification Process June 2021. Collection method: clinical testing. Allele origin: germline. Affected: yes.
Comment: Not observed at significant frequency in large population cohorts (gnomAD); In silico analysis supports that this missense variant has a deleterious effect on protein structure/function; Has not been previously published as pathogenic or benign to our knowledge